The following is an entry in ClinVar:

ClinVar aggregate classification (germline): Pathogenic (1 of 4 stars; one submission).

Conditions:
Primary ciliary dyskinesia. Also called: Ciliary dyskinesia. Identifiers: Orphanet 244, MedGen C0008780, MONDO:0016575, HP:0012265.

Submission:

Labcorp Genetics (formerly Invitae), Labcorp
Classification: Pathogenic for Primary ciliary dyskinesia. Last evaluated: 2023-09-08. Review status: criteria provided, single submitter. Criteria: Invitae Variant Classification Sherloc (09022015). Collection method: clinical testing. Allele origin: germline.
Comment: For these reasons, this variant has been classified as Pathogenic. This variant has not been reported in the literature in individuals affected with DNAH5-related conditions. This variant is not present in population databases (gnomAD no frequency). This sequence change creates a premature translational stop signal (p.Ser1735Profs*9) in the DNAH5 gene. It is expected to result in an absent or disrupted protein product. Loss-of-function variants in DNAH5 are known to be pathogenic (PMID: 11788826, 16627867).

Literature cited by the submitters: PubMed 11788826; PubMed 16627867.

NM_001369.3(DNAH5):c.5202del (p.Ser1735fs)

Gene: DNAH5 (dynein axonemal heavy chain 5; minus strand). Cytogenetic location: 5p15.2.
Variant type: Deletion.
Coding change: c.5202del on transcript NM_001369.3 (MANE Select); coding-DNA position 5202, one base deleted (C; older notation c.5202delC).
Protein change: p.Ser1735fs; shifts the reading frame from serine 1735.
Molecular consequence: frameshift variant.
Genome position (GRCh38, 1-based): chr5:13,844,906, G deleted on the plus strand (C on the coding strand, the reverse complement: DNAH5 is on the minus strand). VCF-style (leftmost placement, unchanged base first): chr5-13844905-AG-A. GRCh37 (hg19) VCF-style: chr5-13845014-AG-A.
Other names: short protein forms S1735fs.
Identifiers: ClinVar variation 2759063 (VCV002759063.3), dbSNP rs2546922856, ClinGen allele CA2697547064.